The following is an entry in ClinVar:

ClinVar aggregate classification (germline): Benign/Likely benign. Review status: criteria provided, multiple submitters, no conflicts (2 of 4 stars). 4 submissions from 4 submitters: Benign (2); Likely benign (2). Last evaluated 2025-12-19.

Allele frequency attached by ClinVar (database versions not stated): gnomAD exomes 0.00023 and 0.00059; ExAC 0.00062; 1000 Genomes Project 0.00120; 1000 Genomes Project 30x 0.00125; gnomAD 0.00153 and 0.00168; TOPMed 0.00184; ESP Exome Variant Server 0.00215.
gnomAD v4.1: 583 of 1,611,100 alleles (0.036%); highest among the groups gnomAD compares: African/African-American, 0.47%; 4 homozygotes.

Submissions (4):

Labcorp Genetics (formerly Invitae), Labcorp
Classification: Benign. Last evaluated: 2025-12-19. Review status: criteria provided, single submitter. Criteria: Invitae Variant Classification Sherloc (09022015). Collection method: clinical testing. Allele origin: germline.

Blueprint Genetics
Classification: Likely benign. Last evaluated: 2024-08-30. Review status: criteria provided, single submitter. Criteria: ACMG Guidelines, 2015. Collection method: clinical testing. Allele origin: germline.

GeneDx
Classification: Likely benign. Last evaluated: 2018-02-08. Review status: criteria provided, single submitter. Criteria: GeneDx Variant Classification (06012015). Collection method: clinical testing. Allele origin: germline. Affected: yes.
Comment: This variant is considered likely benign or benign based on one or more of the following criteria: it is a conservative change, it occurs at a poorly conserved position in the protein, it is predicted to be benign by multiple in silico algorithms, and/or has population frequency not consistent with disease.

Laboratory for Molecular Medicine, Mass General Brigham Personalized Medicine
Classification: Benign. Last evaluated: 2014-11-24. Review status: criteria provided, single submitter. Criteria: LMM Criteria. Collection method: clinical testing. Allele origin: germline. Observed: 1 variant allele.
Comment: 235-12G>A in intron 3 of LARS2: This variant is not expected to have clinical si gnificance because it has been identified in 0.6% (27/4406) of African American chromosomes from a broad population by the NHLBI Exome Sequencing Project (dbSNP rs75240042).

NM_015340.4(LARS2):c.235-12G>A

Gene: LARS2 (leucyl-tRNA synthetase 2, mitochondrial; plus strand). Cytogenetic location: 3p21.31.
Variant type: single nucleotide variant.
Coding change: c.235-12G>A on transcript NM_015340.4 (MANE Select); 12 bases into the intron before coding-DNA position 235, G replaced by A.
Molecular consequence: intron variant.
Genome position (GRCh38, 1-based): chr3:45,400,233, G>A. VCF-style: chr3-45400233-G-A. GRCh37 (hg19) VCF-style: chr3-45441725-G-A.
Other names: c.235-12G>A (NM_001368263.1).
Identifiers: ClinVar variation 390281 (VCV000390281.10), dbSNP rs75240042, ClinGen allele CA2349237.
Genomic context (GRCh38, chr3:45,400,233, plus strand): 5'-GCCAAAATATTATGTATACATGCAGAGTTCCCAGAAAATGCTTAATAAATACTCATTGTC[G>A]TTCTTTCCTAGAAATCGAAGCCAAAATTTTACGTGCTTTCCATGTTCCCTTATCCTTCTG-3'